The following is an entry in ClinVar:

NM_024426.6(WT1):c.116G>C (p.Arg39Pro)

Genes: WT1 (WT1 transcription factor; minus strand), LOC107982234 (WT1/WT1-AS bi-directional promoter region; plus strand). Cytogenetic location: 11p13.
Variant type: single nucleotide variant.
Coding change: c.116G>C on transcript NM_024426.6 (MANE Select); coding-DNA position 116, G replaced by C.
Protein change: p.Arg39Pro; replaces arginine 39 with proline.
Molecular consequence: missense variant. On other transcripts: non-coding transcript variant (1).
Genome position (GRCh38, 1-based): chr11:32,435,245, C>G on the plus strand (G>C on the coding strand, the complement: WT1 is on the minus strand). VCF-style: chr11-32435245-C-G. GRCh37 (hg19) VCF-style: chr11-32456791-C-G.
Other names: c.116G>C, p.Arg39Pro (NM_000378.6, NM_001407044.1, NM_001407045.1 and 6 more transcripts); c.101G>C, p.Arg34Pro (NM_024425.2); c.101G>C (NM_024426.4); short protein forms R34P, R39P.
Identifiers: ClinVar variation 2202666 (VCV002202666.8), dbSNP rs1590411426, ClinGen allele CA379966350.

ClinVar aggregate classification (germline): Conflicting classifications of pathogenicity. Review status: criteria provided, conflicting classifications (1 of 4 stars). 4 submissions from 4 submitters: Uncertain significance (3); Likely benign (1). Last evaluated 2026-07-08.

Conditions:
Wilms tumor 1 (WT1). Also called: Wilms tumor, somatic. Identifiers: Orphanet 654, MedGen CN033288, MONDO:0008679, OMIM 194070.
11p partial monosomy syndrome (WAGR). Also called: CHROMOSOME 11p13 DELETION SYNDROME; WAGR syndrome; WAGR Complex; WAGR Spectrum Disorder. Identifiers: Orphanet 893, MedGen C0206115, MONDO:0008681, OMIM 194072.
Frasier syndrome. Identifiers: Orphanet 347, MedGen C0950122, MeSH D052159, MONDO:0007635, OMIM 136680.
Drash syndrome (DDS). Also called: NEPHROPATHY, WILMS TUMOR, AND GENITAL ANOMALIES; WILMS TUMOR AND PSEUDO- OR TRUE HERMAPHRODITISM. Identifiers: Orphanet 220, MedGen C0950121, MONDO:0008682, OMIM 194080.
Inborn genetic diseases. Identifiers: MedGen C0950123, MeSH D030342.

Submissions (4):

Ambry Genetics
Classification: Likely benign for Inborn genetic diseases. Last evaluated: 2026-07-08. Review status: criteria provided, single submitter. Criteria: Ambry Variant Classification Scheme 2023. Collection method: clinical testing. Allele origin: germline.

All of Us Research Program, National Institutes of Health
Classification: Uncertain significance for Wilms tumor 1. Last evaluated: 2024-08-23. Review status: criteria provided, single submitter. Criteria: ACMG Guidelines, 2015. Collection method: clinical testing. Allele origin: germline. Inheritance: Autosomal dominant inheritance. Observed: 1 variant allele, 1 heterozygote.
Comment: This missense variant replaces arginine with proline at codon 34 of the WT1 protein. Computational prediction suggests that this variant may not impact protein structure and function (internally defined REVEL score threshold <= 0.5, PMID: 27666373). To our knowledge, functional studies have not been reported for this variant. This variant has not been reported in individuals affected with WT1-related disorders in the literature. This variant has not been identified in the general population by the Genome Aggregation Database (gnomAD). The available evidence is insufficient to determine the role of this variant in disease conclusively. Therefore, this variant is classified as a Variant of Uncertain Significance.

This study involves interpretation of variants in research participants for the purpose of population health screening. Participant phenotype was not available at the time of variant classification. Additional details can be found in publication PMID: 35346344, PMCID: PMC8962531

Baylor Genetics
Classification: Uncertain significance for Drash syndrome. Last evaluated: 2023-08-23. Review status: criteria provided, single submitter. Criteria: ACMG Guidelines, 2015. Collection method: clinical testing. Allele origin: unknown.

Labcorp Genetics (formerly Invitae), Labcorp
Classification: Uncertain significance for Wilms tumor 1; Drash syndrome; 11p partial monosomy syndrome; Frasier syndrome. Last evaluated: 2022-07-17. Review status: criteria provided, single submitter. Criteria: Invitae Variant Classification Sherloc (09022015). Collection method: clinical testing. Allele origin: germline.
Comment: In summary, the available evidence is currently insufficient to determine the role of this variant in disease. Therefore, it has been classified as a Variant of Uncertain Significance. This variant is not present in population databases (gnomAD no frequency). This variant has not been reported in the literature in individuals affected with WT1-related conditions. Algorithms developed to predict the effect of missense changes on protein structure and function output the following: SIFT: "Deleterious"; PolyPhen-2: "Benign"; Align-GVGD: "Class C0". The proline amino acid residue is found in multiple mammalian species, which suggests that this missense change does not adversely affect protein function. This sequence change replaces arginine, which is basic and polar, with proline, which is neutral and non-polar, at codon 34 of the WT1 protein (p.Arg34Pro).